The following is an entry in ClinVar:

NM_001377229.1(DISP1):c.3907A>G (p.Ser1303Gly)

Gene: DISP1 (dispatched RND transporter family member 1; plus strand). Cytogenetic location: 1q41.
Variant type: single nucleotide variant.
Coding change: c.3907A>G on transcript NM_001377229.1 (MANE Select); coding-DNA position 3907, A replaced by G.
Protein change: p.Ser1303Gly; replaces serine 1303 with glycine.
Molecular consequence: missense variant.
Genome position (GRCh38, 1-based): chr1:223,005,304, A>G. VCF-style: chr1-223005304-A-G. GRCh37 (hg19) VCF-style: chr1-223178646-A-G.
Other names: c.3178A>G, p.Ser1060Gly (NM_001350630.2); c.3907A>G, p.Ser1303Gly (NM_001369594.1, NM_001377228.1, NM_032890.5); short protein forms S1060G, S1303G.
Identifiers: ClinVar variation 4240813 (VCV004240813.2).

ClinVar aggregate classification (germline): Conflicting classifications of pathogenicity. Review status: criteria provided, conflicting classifications (1 of 4 stars). 2 submissions from 2 submitters: Uncertain significance (1); Likely benign (1). Last evaluated 2025-09-25.

gnomAD v4.1: 2 of 1,613,632 alleles (0.00012%); highest among the groups gnomAD compares: African/African-American, 0.0013%; no homozygotes.

Submissions (2):

Women's Health and Genetics/Laboratory Corporation of America, LabCorp
Classification: Uncertain significance. Last evaluated: 2025-09-25. Review status: criteria provided, single submitter. Criteria: LabCorp Variant Classification Summary - May 2015. Collection method: clinical testing. Allele origin: germline.
Comment: Variant summary: DISP1 c.3907A>G (p.Ser1303Gly) results in a non-conservative amino acid change in the encoded protein sequence. Algorithms developed to predict the effect of missense changes on protein structure and function are either unavailable or do not agree on the potential impact of this missense change. The variant allele was found at a frequency of 4e-06 in 247842 control chromosomes. The available data on variant occurrences in the general population are insufficient to allow any conclusion about variant significance. To our knowledge, no occurrence of c.3907A>G in individuals affected with DISP1-related conditions and no experimental evidence demonstrating its impact on protein function have been reported. No submitters have cited clinical-significance assessments for this variant to ClinVar. Based on the evidence outlined above, the variant was classified as uncertain significance.

Ambry Genetics
Classification: Likely benign. Last evaluated: 2025-08-05. Review status: criteria provided, single submitter. Criteria: Ambry Variant Classification Scheme 2023. Collection method: clinical testing. Allele origin: germline.